The following is an entry in ClinVar:

NM_030631.4(SLC25A21):c.778G>C (p.Glu260Gln)

Gene: SLC25A21 (solute carrier family 25 member 21; minus strand). Cytogenetic location: 14q13.3.
Variant type: single nucleotide variant.
Coding change: c.778G>C on transcript NM_030631.4 (MANE Select); coding-DNA position 778, G replaced by C.
Protein change: p.Glu260Gln; replaces glutamic acid 260 with glutamine.
Molecular consequence: missense variant.
Genome position (GRCh38, 1-based): chr14:36,684,751, C>G on the plus strand (G>C on the coding strand, the complement: SLC25A21 is on the minus strand). VCF-style: chr14-36684751-C-G. GRCh37 (hg19) VCF-style: chr14-37153956-C-G.
Other names: c.778G>C, p.Glu260Gln (NM_001171170.2); short protein forms E260Q.
Identifiers: ClinVar variation 2097365 (VCV002097365.4), dbSNP rs751607788, ClinGen allele CA7159215.
Genomic context (GRCh38, chr14:36,684,751, plus strand): 5'-CTAACAATACGTGAGCCTCATACATTTATTAAAATAAGAATGTGTTATGTTACCCTTCTT[C>G]CTGATAGACTGTTGCCATTGTTTTAAAACAGGTTCTGTACTTGATCTCTCCAGGAACTGG-3'
Protein context (NP_085134.1, residues 250-270): CFKTMATVYQ[Glu260Gln]EGILALYKGL

ClinVar aggregate classification (germline): Uncertain significance (1 of 4 stars; one submission).

Allele frequency attached by ClinVar (database versions not stated): ExAC 0.00001; TOPMed 0.00001.
gnomAD v4.1: 2 of 1,605,000 alleles (0.00012%); highest among the groups gnomAD compares: Admixed American, 0.0034%; no homozygotes.

Submission:

Labcorp Genetics (formerly Invitae), Labcorp
Classification: Uncertain significance. Last evaluated: 2022-07-11. Review status: criteria provided, single submitter. Criteria: Invitae Variant Classification Sherloc (09022015). Collection method: clinical testing. Allele origin: germline.
Comment: In summary, the available evidence is currently insufficient to determine the role of this variant in disease. Therefore, it has been classified as a Variant of Uncertain Significance. Algorithms developed to predict the effect of missense changes on protein structure and function are either unavailable or do not agree on the potential impact of this missense change (SIFT: "Deleterious"; PolyPhen-2: "Probably Damaging"; Align-GVGD: "Class C0"). This variant has not been reported in the literature in individuals affected with SLC25A21-related conditions. This variant is present in population databases (rs751607788, gnomAD 0.006%). This sequence change replaces glutamic acid, which is acidic and polar, with glutamine, which is neutral and polar, at codon 260 of the SLC25A21 protein (p.Glu260Gln).